The following is an entry in ClinVar:

NM_000321.3(RB1):c.1961-4A>G

Gene: RB1 (RB transcriptional corepressor 1; plus strand). Cytogenetic location: 13q14.2.
Variant type: single nucleotide variant.
Coding change: c.1961-4A>G on transcript NM_000321.3 (MANE Select); 4 bases into the intron before coding-DNA position 1961, A replaced by G.
Molecular consequence: intron variant.
Genome position (GRCh38, 1-based): chr13:48,459,684, A>G. VCF-style: chr13-48459684-A-G. GRCh37 (hg19) VCF-style: chr13-49033820-A-G.
Identifiers: ClinVar variation 1783435 (VCV001783435.7), dbSNP rs1949383242, ClinGen allele CA955785493.

ClinVar aggregate classification (germline): Conflicting classifications of pathogenicity. Review status: criteria provided, conflicting classifications (1 of 4 stars). 2 submissions from 2 submitters: Uncertain significance (1); Likely benign (1). Last evaluated 2022-06-23.

Conditions:
Hereditary cancer-predisposing syndrome. Also called: Neoplastic Syndromes, Hereditary; Tumor predisposition; Hereditary Cancer Syndrome; Hereditary neoplastic syndrome. Identifiers: Orphanet 140162, MedGen C0027672, MeSH D009386, MONDO:0015356.
Retinoblastoma (RB1). Also called: RETINOBLASTOMA, SOMATIC. Identifiers: Orphanet 790, MedGen C0035335, MeSH D012175, MONDO:0008380, OMIM 180200, HP:0009919. Disease mechanism: loss of function. Inheritance: Both sporadic and heritable forms are tested..

Allele frequency attached by ClinVar (database versions not stated): gnomAD 0.00001; TOPMed 0.00001.
gnomAD v4.1: 1 of 1,613,982 alleles (0.000062%); no homozygotes.

Submissions (2):

Labcorp Genetics (formerly Invitae), Labcorp
Classification: Likely benign for Retinoblastoma. Last evaluated: 2022-06-23. Review status: criteria provided, single submitter. Criteria: Invitae Variant Classification Sherloc (09022015). Collection method: clinical testing. Allele origin: germline.

Ambry Genetics
Classification: Uncertain significance for Hereditary cancer-predisposing syndrome. Last evaluated: 2020-08-17. Review status: criteria provided, single submitter. Criteria: Ambry Variant Classification Scheme 2023. Collection method: clinical testing. Allele origin: germline.
Comment: The c.1961-4A>G intronic variant results from an A to G substitution 4 nucleotides upstream from coding exon 20 in the RB1 gene. This nucleotide position is poorly conserved in available vertebrate species. In silico splice site analysis predicts that this alteration will not have any significant effect on splicing. Since supporting evidence is limited at this time, the clinical significance of this alteration remains unclear.